The following is an entry in ClinVar:

ClinVar aggregate classification (germline): Pathogenic. Review status: criteria provided, single submitter (1 of 4 stars). 2 submissions from 2 submitters: Pathogenic (1). 1 of the submissions does not count toward it. Last evaluated 2026-08-06.

Conditions:
Rothmund-Thomson syndrome type 1 (RTS1). Also called: POIKILODERMA ATROPHICANS AND CATARACT. Identifiers: Orphanet 221008, MedGen C5231433, MONDO:0016368, OMIM 618625.

Allele frequency attached by ClinVar (database versions not stated): TOPMed below 0.00001; gnomAD exomes 0.00001.

Submissions (2):

OLLIN Analises Genomicas, OLLIN
Classification: Pathogenic for Rothmund-Thomson syndrome type 1. Last evaluated: 2026-08-06. Review status: criteria provided, single submitter. Criteria: ACMG Guidelines 2015 PMID 25741868. Collection method: clinical testing. Allele origin: germline. Inheritance: Autosomal recessive inheritance.
Comment: This variant, located at the canonical splicing site (splice donor), has been reported in ClinVar (accession VCV000694459.1), in gnomAD with an allele frequency of 0.00056%, and in the scientific literature, segregating with the phenotype and in compound heterozygosity, in individuals with ANAPC1 related disorders (PMID: 31303264). This variant is predicted to disrupt a canonical splice site, potentially leading to exon skipping, mRNA degradation via nonsense-mediated decay (NMD), or production of a truncated protein. According to the currently available evidence, this variant has been classified as pathogenic (PVS1, PM2_P, PM3_S, PP1).

OMIM
Classification: Pathogenic for ROTHMUND-THOMSON SYNDROME, TYPE 1. Last evaluated: 2019-10-17. Review status: no assertion criteria provided. Collection method: literature only. Allele origin: germline. Not counted in ClinVar's aggregate classification.

Literature cited by the submitters: PubMed 31303264 (cited by OLLIN Analises Genomicas, OLLIN and OMIM).

NM_022662.4(ANAPC1):c.4373+1G>A

Gene: ANAPC1 (anaphase promoting complex subunit 1; minus strand). Cytogenetic location: 2q13.
Variant type: single nucleotide variant.
Coding change: c.4373+1G>A on transcript NM_022662.4 (MANE Select); the canonical splice donor site of the intron after coding-DNA position 4373, G replaced by A.
Molecular consequence: splice donor variant.
Genome position (GRCh38, 1-based): chr2:111,794,817, C>T on the plus strand (G>A on the coding strand, the complement: ANAPC1 is on the minus strand). VCF-style: chr2-111794817-C-T. GRCh37 (hg19) VCF-style: chr2-112552394-C-T.
Other names: IVS35DS, G-A, +1.
Identifiers: ClinVar variation 692106 (VCV000692106.2), dbSNP rs1267333057, ClinGen allele CA348222599.
Genomic context (GRCh38, chr2:111,794,817, plus strand): 5'-TATTTCAATTTAATTATCTGATAGACGCTAGGATAGCTAATTTGCATTATACATCACTTA[C>T]GACAAAGTTTCCAAATTCAAATCCTCTGAGCACGGCAATTCGATTTCACTGAGAGAGATA-3'